The following is an entry in ClinVar:

NM_001543.5(NDST1):c.2634C>T (p.Leu878=)

Gene: NDST1 (N-deacetylase and N-sulfotransferase 1; plus strand). Cytogenetic location: 5q33.1.
Variant type: single nucleotide variant.
Coding change: c.2634C>T on transcript NM_001543.5 (MANE Select); coding-DNA position 2634, C replaced by T.
Protein change: p.Leu878=; no amino-acid change (leucine 878 retained).
Molecular consequence: synonymous variant.
Genome position (GRCh38, 1-based): chr5:150,553,317, C>T. VCF-style: chr5-150553317-C-T. GRCh37 (hg19) VCF-style: chr5-149932879-C-T.
Other names: c.2463C>T, p.Leu821= (NM_001301063.2).
Identifiers: ClinVar variation 2655937 (VCV002655937.24), dbSNP rs550785219, ClinGen allele CA3513026.
Genomic context (GRCh38, chr5:150,553,317, plus strand): 5'-GCTCTCCAAGCTGCTGTATAAGATGGGCCAGACACTTCCCACTTGGCTACGAGAGGACCT[C>T]CAGAACACCAGGTAGCCGTGGCCACCACAGCCAGACTGAACGTTTGTGAAAGCTGGGACA-3'
Protein context (NP_001534.1, residues 868-882): QTLPTWLRED[Leu878=]QNTR

ClinVar aggregate classification (germline): Likely benign (1 of 4 stars; one submission).

Allele frequency attached by ClinVar (database versions not stated): gnomAD 0.00004; gnomAD exomes 0.00004; ExAC 0.00007; TOPMed 0.00009; 1000 Genomes Project 30x 0.00016; 1000 Genomes Project 0.00020.
gnomAD v4.1: 62 of 1,613,454 alleles (0.0038%); highest among the groups gnomAD compares: Non-Finnish European, 0.0048%; no homozygotes.

Submission:

CeGaT Center for Human Genetics Tuebingen
Classification: Likely benign. Last evaluated: 2023-07-01. Review status: criteria provided, single submitter. Criteria: CeGaT Center For Human Genetics Tuebingen Variant Classification Criteria Version 2. Collection method: clinical testing. Allele origin: germline. Affected: yes. Observed: 1 variant allele.
Comment: NDST1: BP4, BP7